The following is an entry in ClinVar:

NM_001378414.1(HDAC4):c.2371G>A (p.Ala791Thr)

Gene: HDAC4 (histone deacetylase 4; minus strand). Cytogenetic location: 2q37.3.
Variant type: single nucleotide variant.
Coding change: c.2371G>A on transcript NM_001378414.1 (MANE Select); coding-DNA position 2371, G replaced by A.
Protein change: p.Ala791Thr; replaces alanine 791 with threonine.
Molecular consequence: missense variant.
Genome position (GRCh38, 1-based): chr2:239,090,026, C>T on the plus strand (G>A on the coding strand, the complement: HDAC4 is on the minus strand). VCF-style: chr2-239090026-C-T. GRCh37 (hg19) VCF-style: chr2-240011722-C-T.
Other names: c.2371G>A, p.Ala791Thr (NM_001378415.1); c.2356G>A, p.Ala786Thr (NM_001378416.1, NM_001378417.1, NM_006037.4); short protein forms A786T, A791T.
Identifiers: ClinVar variation 283520 (VCV000283520.43), dbSNP rs61754648, ClinGen allele CA2199445.

ClinVar aggregate classification (germline): Benign/Likely benign. Review status: criteria provided, multiple submitters, no conflicts (2 of 4 stars). 7 submissions from 7 submitters: Benign (2); Likely benign (4). 1 of the submissions does not count toward it. Last evaluated 2026-09-01.

Conditions:
HDAC4-related disorder. Also called: HDAC4-related condition.
Chromosome 2q37 deletion syndrome (BDMR). Also called: 2q37 microdeletion syndrome; ALBRIGHT HEREDITARY OSTEODYSTROPHY-LIKE SYNDROME; Chromosome 2, monosomy 2q37; Monosomy 2q37; Deletion 2q37. Identifiers: Orphanet 1001, MedGen C2931817, MONDO:0010886, OMIM 600430.

Allele frequency attached by ClinVar (database versions not stated): ExAC 0.00136; gnomAD exomes 0.00142 and 0.00303; gnomAD 0.00181 and 0.00187; TOPMed 0.00182; ESP Exome Variant Server 0.00208; 1000 Genomes Project 0.00240; 1000 Genomes Project 30x 0.00265.
gnomAD v4.1: 4,678 of 1,613,522 alleles (0.29%); highest among the groups gnomAD compares: Non-Finnish European, 0.37%; 17 homozygotes.

Submissions (12):

CeGaT Center for Human Genetics Tuebingen
Classification: Likely benign. Last evaluated: 2026-09-01. Review status: criteria provided, single submitter. Criteria: CeGaT Center For Human Genetics Tuebingen Variant Classification Criteria Version 2. Collection method: clinical testing. Allele origin: germline. Affected: yes. Observed: 8 variant alleles.
Comment: HDAC4: BS2

Labcorp Genetics (formerly Invitae), Labcorp
Classification: Likely benign. Last evaluated: 2026-01-15. Review status: criteria provided, single submitter. Criteria: Invitae Variant Classification Sherloc (09022015). Collection method: clinical testing. Allele origin: germline.

Blueprint Genetics
Classification: Likely benign. Last evaluated: 2024-11-08. Review status: criteria provided, single submitter. Criteria: ACMG Guidelines, 2015. Collection method: clinical testing. Allele origin: germline.

GeneDx
Classification: Benign. Last evaluated: 2021-05-28. Review status: criteria provided, single submitter. Criteria: GeneDx Variant Classification Process June 2021. Collection method: clinical testing. Allele origin: germline. Affected: yes.
Comment: In silico analysis, which includes protein predictors and evolutionary conservation, supports a deleterious effect; Reported to segregate with severe eating disorder in a multigeneration family (Cui et al., 2013); This variant is associated with the following publications: (PMID: 24216484, 32153359, 27884425, 23159930, 30742020, 29256967)

Mendelics
Classification: Likely benign for Chromosome 2q37 deletion syndrome. Last evaluated: 2019-05-28. Review status: criteria provided, single submitter. Criteria: Mendelics Assertion Criteria 2017. Collection method: clinical testing. Allele origin: unknown.

Eurofins Ntd Llc (ga)
Classification: Benign. Last evaluated: 2015-10-12. Review status: criteria provided, single submitter. Criteria: EGL Classification Definitions 2015. Collection method: clinical testing. Allele origin: germline. Observed: 1 variant allele, 1 heterozygote.

PreventionGenetics, part of Exact Sciences
Classification: Likely benign for HDAC4-related condition. Last evaluated: 2022-02-07. Review status: no assertion criteria provided. Collection method: clinical testing. Allele origin: germline. Not counted in ClinVar's aggregate classification.
Comment: This variant is classified as likely benign based on ACMG/AMP sequence variant interpretation guidelines (Richards et al. 2015 PMID: 25741868, with internal and published modifications).

Dr. Peter K. Rogan Lab, Western University
No classification provided (evidence only). Condition: Lung cancer. Review status: no classification provided. Collection method: in vitro. Allele origin: not applicable. Functional consequence: skipped exon, retained intron. Not counted in ClinVar's aggregate classification.

Dr. Peter K. Rogan Lab, Western University
No classification provided (evidence only). Condition: Familial cancer of breast. Review status: no classification provided. Collection method: in vitro. Allele origin: not applicable. Functional consequence: retained intron. Not counted in ClinVar's aggregate classification.

Dr. Peter K. Rogan Lab, Western University
No classification provided (evidence only). Condition: Acute myeloid leukemia. Review status: no classification provided. Collection method: in vitro. Allele origin: not applicable. Functional consequence: retained intron. Not counted in ClinVar's aggregate classification.

Dr. Peter K. Rogan Lab, Western University
No classification provided (evidence only). Condition: Acute myeloid leukemia. Review status: no classification provided. Collection method: in vitro. Allele origin: not applicable. Functional consequence: retained intron. Not counted in ClinVar's aggregate classification.

Dr. Peter K. Rogan Lab, Western University
No classification provided (evidence only). Condition: Malignant tumor of esophagus. Review status: no classification provided. Collection method: in vitro. Allele origin: not applicable. Functional consequence: retained intron. Not counted in ClinVar's aggregate classification.